The following is an entry in ClinVar:

ClinVar aggregate classification (germline): Uncertain significance. Review status: criteria provided, multiple submitters, no conflicts (2 of 4 stars). 2 submissions from 2 submitters: Uncertain significance (2). Last evaluated 2023-04-27.

Conditions:
Autosomal recessive limb-girdle muscular dystrophy type 2N. Also called: MUSCULAR DYSTROPHY-DYSTROGLYCANOPATHY, LIMB-GIRDLE, POMT2-RELATED; Muscular dystrophy-dystroglycanopathy (limb-girdle), type C, 2. Identifiers: Orphanet 206559, MedGen C3150418, MONDO:0013162, OMIM 613158.
Muscular dystrophy-dystroglycanopathy (congenital with brain and eye anomalies), type A2. Also called: MUSCULAR DYSTROPHY-DYSTROGLYCANOPATHY (CONGENITAL WITH BRAIN AND EYE ANOMALIES), TYPE A, 2; WALKER-WARBURG SYNDROME OR MUSCLE-EYE-BRAIN DISEASE, POMT2-RELATED. Identifiers: Orphanet 588, Orphanet 899, MedGen C3150411, MONDO:0013154, OMIM 613150.
Muscular dystrophy-dystroglycanopathy (congenital with impaired intellectual development), type B, 2. Also called: MUSCULAR DYSTROPHY, CONGENITAL, POMT2-RELATED; Muscular dystrophy-dystroglycanopathy (congenital with intellectual disability), type B2. Identifiers: MedGen C3150416, MONDO:0013160, OMIM 613156.

Allele frequency attached by ClinVar (database versions not stated): gnomAD exomes below 0.00001.

Submissions (2):

Revvity Omics, Revvity
Classification: Uncertain significance. Last evaluated: 2023-04-27. Review status: criteria provided, single submitter. Criteria: ACMG Guidelines, 2015. Collection method: clinical testing. Allele origin: germline.

Labcorp Genetics (formerly Invitae), Labcorp
Classification: Uncertain significance for Muscular dystrophy-dystroglycanopathy (congenital with impaired intellectual development), type B, 2; Muscular dystrophy-dystroglycanopathy (congenital with brain and eye anomalies), type A2; Autosomal recessive limb-girdle muscular dystrophy type 2N. Last evaluated: 2022-08-17. Review status: criteria provided, single submitter. Criteria: Invitae Variant Classification Sherloc (09022015). Collection method: clinical testing. Allele origin: germline.
Comment: This sequence change replaces alanine, which is neutral and non-polar, with threonine, which is neutral and polar, at codon 54 of the POMT2 protein (p.Ala54Thr). This variant is not present in population databases (gnomAD no frequency). This variant has not been reported in the literature in individuals affected with POMT2-related conditions. Algorithms developed to predict the effect of missense changes on protein structure and function output the following: SIFT: "Tolerated"; PolyPhen-2: "Benign"; Align-GVGD: "Class C0". The threonine amino acid residue is found in multiple mammalian species, which suggests that this missense change does not adversely affect protein function. In summary, the available evidence is currently insufficient to determine the role of this variant in disease. Therefore, it has been classified as a Variant of Uncertain Significance.

NM_013382.7(POMT2):c.160G>A (p.Ala54Thr)

Gene: POMT2 (protein O-mannosyltransferase 2; minus strand). Cytogenetic location: 14q24.3.
Variant type: single nucleotide variant.
Coding change: c.160G>A on transcript NM_013382.7 (MANE Select); coding-DNA position 160, G replaced by A.
Protein change: p.Ala54Thr; replaces alanine 54 with threonine.
Molecular consequence: missense variant.
Genome position (GRCh38, 1-based): chr14:77,320,522, C>T on the plus strand (G>A on the coding strand, the complement: POMT2 is on the minus strand). VCF-style: chr14-77320522-C-T. GRCh37 (hg19) VCF-style: chr14-77786865-C-T.
Other names: short protein forms A54T.
Identifiers: ClinVar variation 1925506 (VCV001925506.4), dbSNP rs1239345534, ClinGen allele CA390504547.